The following is an entry in ClinVar:

NM_007294.4(BRCA1):c.1058G>A (p.Trp353Ter)

Gene: BRCA1 (BRCA1 DNA repair associated; minus strand). Cytogenetic location: 17q21.31.
Variant type: single nucleotide variant.
Coding change: c.1058G>A on transcript NM_007294.4 (MANE Select); coding-DNA position 1058, G replaced by A.
Protein change: p.Trp353Ter; replaces tryptophan 353 with a stop codon.
Molecular consequence: nonsense. On other transcripts: intron variant (137).
Genome position (GRCh38, 1-based): chr17:43,094,473, C>T on the plus strand (G>A on the coding strand, the complement: BRCA1 is on the minus strand). VCF-style: chr17-43094473-C-T. GRCh37 (hg19) VCF-style: chr17-41246490-C-T.
Other names: c.917G>A, p.Trp306Ter (NM_007297.4, NM_001407692.1, NM_001407694.1 and 29 more transcripts); c.1058G>A, p.Trp353Ter (NM_007300.4, NM_001407581.1, NM_001407582.1 and 30 more transcripts); c.646+271G>A (NM_001408458.1, NM_001408469.1, NM_001408453.1 and 11 more transcripts); c.283+271G>A (NM_001408512.1); c.406+271G>A (NM_001408510.1); c.643+271G>A (NM_001408470.1, NM_001408464.1, NM_001408468.1 and 3 more transcripts); c.784+271G>A (NM_001408397.1, NM_001408401.1, NM_001408396.1 and 13 more transcripts); c.664+271G>A (NM_001408436.1, NM_001408444.1, NM_001408438.1 and 12 more transcripts); and 40 more; short protein forms W353*, W306*, W226*, W242*, W264*, W265*, W282*, W305*.
Identifiers: ClinVar variation 54109 (VCV000054109.18), dbSNP rs80356908, ClinGen allele CA000704.
Genomic context (GRCh38, chr17:43,094,473, plus strand): 5'-ATCCAAGGAACATCTTCAGTATCTCTAGGATTCTCTGAGCATGGCAGTTTCTGCTTATTC[C>T]ATTCTTTTCTCTCACACAGGGGATCAGCATTCAGATCTACCTTTTTTTCTGTGCTGGGAG-3'

ClinVar aggregate classification (germline): Pathogenic. Review status: reviewed by expert panel (3 of 4 stars). 14 submissions from 14 submitters: Pathogenic (1). 13 of the submissions do not count toward it. Last evaluated 2016-09-08.

Conditions:
Hereditary cancer-predisposing syndrome. Also called: Tumor predisposition; Neoplastic Syndromes, Hereditary; Hereditary Cancer Syndrome; Hereditary neoplastic syndrome. Identifiers: Orphanet 140162, MedGen C0027672, MeSH D009386, MONDO:0015356.
Hereditary breast ovarian cancer syndrome. Also called: Hereditary breast and ovarian cancer syndrome (HBOC); Hereditary breast and ovarian cancer syndrome; Hereditary breast and ovarian cancer; Hereditary breast and/or ovarian cancer syndrome; Breast and ovarian cancer; BRCA1- and BRCA2-Associated Hereditary Breast and Ovarian Cancer. Identifiers: Orphanet 145, MedGen C0677776, MeSH D061325, MONDO:0003582. Disease mechanism: loss of function.
Malignant tumor of urinary bladder. Also called: Bladder cancer; Urinary bladder cancer; Urinary Bladder Neoplasms. Identifiers: MedGen C0005684, MONDO:0001187, OMIM 109800.
Breast-ovarian cancer, familial, susceptibility to, 1 (BROVCA1). Also called: OVARIAN CANCER, SUSCEPTIBILITY TO; BRCA1 Hereditary Breast and Ovarian Cancer. Identifiers: Orphanet 145, MedGen C2676676, MONDO:0011450, OMIM 604370. Disease mechanism: loss of function.

Submissions (14):

Evidence-based Network for the Interpretation of Germline Mutant Alleles (ENIGMA)
Classification: Pathogenic for Breast-ovarian cancer, familial, susceptibility to, 1. Last evaluated: 2016-09-08. Review status: reviewed by expert panel. Criteria: ENIGMA BRCA1/2 Classification Criteria (2015). Collection method: curation. Allele origin: germline.
Comment: Variant allele predicted to encode a truncated non-functional protein.

Women's Health and Genetics/Laboratory Corporation of America, LabCorp
Classification: Pathogenic for Hereditary breast ovarian cancer syndrome. Last evaluated: 2025-07-14. Review status: criteria provided, single submitter. Criteria: LabCorp Variant Classification Summary - May 2015. Collection method: clinical testing. Allele origin: germline. Not counted in ClinVar's aggregate classification.
Comment: Variant summary: BRCA1 c.1058G>A (p.Trp353X) results in a premature termination codon, predicted to cause a truncation of the encoded protein or absence of the protein due to nonsense mediated decay, which are commonly known mechanisms for disease. The variant was absent in 251202 control chromosomes. c.1058G>A has been observed in individual(s) affected with Hereditary Breast And Ovarian Cancer Syndrome (e.g. Kwong_2024). These data indicate that the variant is likely associated with disease. The following publication has been ascertained in the context of this evaluation (PMID: 39272924). ClinVar contains an entry for this variant (Variation ID: 54109). Based on the evidence outlined above, the variant was classified as pathogenic.

Ambry Genetics
Classification: Pathogenic for Hereditary cancer-predisposing syndrome. Last evaluated: 2025-05-26. Review status: criteria provided, single submitter. Criteria: Ambry Variant Classification Scheme 2023. Collection method: clinical testing. Allele origin: germline. Not counted in ClinVar's aggregate classification.
Comment: The p.W353* pathogenic mutation (also known as c.1058G>A), located in coding exon 9 of the BRCA1 gene, results from a G to A substitution at nucleotide position 1058. This changes the amino acid from a tryptophan to a stop codon within coding exon 9. This variant has been reported in numerous hereditary breast and ovarian cancer (HBOC) syndrome families (H&aring;kansson S et al. Am J Hum Genet, 1997 May;60:1068-78; Shi T et al. Int J Cancer, 2017 05;140:2051-2059; Heramb C et al. Hered Cancer Clin Pract, 2018 Jan;16:3; Rebbeck TR et al. Hum Mutat, 2018 05;39:593-620; Akter H et al. BMC Med Genet, 2019 09;20:150; Laitman Y et al. Hum Mutat, 2019 11;40:e1-e23; Peixoto A et al. Front Oncol, 2020 Jul;10:1318). This variant is considered to be rare based on population cohorts in the Genome Aggregation Database (gnomAD). In addition to the clinical data presented in the literature, this alteration is expected to result in loss of function by premature protein truncation or nonsense-mediated mRNA decay. As such, this alteration is interpreted as a disease-causing mutation.

GeneDx
Classification: Pathogenic. Last evaluated: 2025-01-02. Review status: criteria provided, single submitter. Criteria: GeneDx Variant Classification Process June 2021. Collection method: clinical testing. Allele origin: germline. Affected: yes. Not counted in ClinVar's aggregate classification.
Comment: Nonsense variant predicted to result in protein truncation or nonsense mediated decay in a gene for which loss of function is a known mechanism of disease; Not observed at significant frequency in large population cohorts (gnomAD); Truncating variants in this gene are considered pathogenic by a well-established clinical consortium and/or database; Also known as 1177G>A; Reported in individuals with breast and/or ovarian cancer (PMID: 9150154, 11504767); This variant is associated with the following publications: (PMID: 29339979, 28176296, 30678073, 29310832, 34981296, 9150154, 11710835, 11504767, 25525159, 29446198, 30702160, 30720863, 31825140, 38575974, 34403063, 33461583, 32850417, 29975922, 32377563, 35165121, 31300551, 36605468, 31477031, 38671360)

Labcorp Genetics (formerly Invitae), Labcorp
Classification: Pathogenic for Hereditary breast ovarian cancer syndrome. Last evaluated: 2024-10-27. Review status: criteria provided, single submitter. Criteria: Invitae Variant Classification Sherloc (09022015). Collection method: clinical testing. Allele origin: germline. Not counted in ClinVar's aggregate classification.
Comment: This sequence change creates a premature translational stop signal (p.Trp353*) in the BRCA1 gene. It is expected to result in an absent or disrupted protein product. Loss-of-function variants in BRCA1 are known to be pathogenic (PMID: 20104584). This variant is not present in population databases (gnomAD no frequency). This premature translational stop signal has been observed in individual(s) with BRCA1-related cancers (PMID: 9150154, 30720863). This variant is also known as c.1177G>A. ClinVar contains an entry for this variant (Variation ID: 54109). For these reasons, this variant has been classified as Pathogenic.

Color Diagnostics, LLC DBA Color Health
Classification: Pathogenic for Hereditary cancer-predisposing syndrome. Last evaluated: 2023-04-11. Review status: criteria provided, single submitter. Criteria: ACMG Guidelines, 2015. Collection method: clinical testing. Allele origin: germline. Not counted in ClinVar's aggregate classification.
Comment: This variant changes 1 nucleotide in exon 10 of the BRCA1 gene, creating a premature translation stop signal. This variant is expected to result in an absent or non-functional protein product. This variant has been reported in several individuals and families affected with breast or ovarian cancer (PMID: 9150154, 11504767, 29339979, 29975922, 30702160, 30720863, 31300551, 34403063, 36605468). This variant has not been identified in the general population by the Genome Aggregation Database (gnomAD). Loss of BRCA1 function is a known mechanism of disease. Based on the available evidence, this variant is classified as Pathogenic.

Clinical Genetics Laboratory, Skane University Hospital Lund
Classification: Pathogenic. Last evaluated: 2022-05-27. Review status: criteria provided, single submitter. Criteria: ACMG Guidelines, 2015. Collection method: clinical testing. Allele origin: germline. Affected: yes. Not counted in ClinVar's aggregate classification.

Quest Diagnostics Nichols Institute San Juan Capistrano
Classification: Pathogenic. Last evaluated: 2019-09-17. Review status: criteria provided, single submitter. Criteria: Quest Diagnostics criteria. Collection method: clinical testing. Allele origin: unknown. Not counted in ClinVar's aggregate classification.
Comment: The variant creates a premature nonsense codon, and is therefore predicted to result in the loss of a functional protein. Found in at least one patient with expected phenotype for this gene, and not found in general population data.

Consortium of Investigators of Modifiers of BRCA1/2 (CIMBA), c/o University of Cambridge
Classification: Pathogenic for Breast-ovarian cancer, familial, susceptibility to, 1. Last evaluated: 2015-10-02. Review status: criteria provided, single submitter. Criteria: CIMBA Mutation Classification guidelines May 2016. Collection method: clinical testing. Allele origin: germline. Not counted in ClinVar's aggregate classification.

Department of Medical Genetics, Oslo University Hospital
Classification: Pathogenic for Breast-ovarian cancer, familial, susceptibility to, 1. Last evaluated: 2015-07-01. Review status: criteria provided, single submitter. Criteria: ACMG Guidelines, 2015. Collection method: clinical testing. Allele origin: germline. Affected: yes. Observed: 10 variant alleles. Not counted in ClinVar's aggregate classification.

BRCAlab, Lund University
Classification: Pathogenic for Breast-ovarian cancer, familial, susceptibility to, 1. Last evaluated: 2020-03-02. Review status: no assertion criteria provided. Collection method: clinical testing. Allele origin: germline. Affected: yes. Not counted in ClinVar's aggregate classification.

Research Molecular Genetics Laboratory, Women's College Hospital, University of Toronto
Classification: Pathogenic for Hereditary breast ovarian cancer syndrome. Last evaluated: 2014-01-31. Review status: no assertion criteria provided. Collection method: research. Allele origin: germline. Affected: yes. Study: The Canadian Open Genetics Repository (COGR). Not counted in ClinVar's aggregate classification.

Breast Cancer Information Core (BIC) (BRCA1)
Classification: Pathogenic for Breast-ovarian cancer, familial 1. Last evaluated: 2002-05-29. Review status: no assertion criteria provided. Collection method: clinical testing. Allele origin: germline. Affected: yes. Observed: 4 variant alleles. Not counted in ClinVar's aggregate classification.

Laboratory of Urology, Hospital Clinic de Barcelona
Classification: Pathogenic for Malignant tumor of urinary bladder. Review status: no assertion criteria provided. Collection method: research. Allele origin: somatic. Affected: yes. Not counted in ClinVar's aggregate classification.

Literature cited by the submitters: PubMed 39272924 (cited by Women's Health and Genetics/Laboratory Corporation of America, LabCorp); PubMed 28176296 (cited by Ambry Genetics); PubMed 29310832 (cited by Ambry Genetics); PubMed 29339979 (cited by Ambry Genetics and Color Diagnostics, LLC DBA Color Health); PubMed 29446198 (cited by Ambry Genetics); PubMed 29975922 (cited by Ambry Genetics and Color Diagnostics, LLC DBA Color Health); PubMed 30702160 (cited by Ambry Genetics and Color Diagnostics, LLC DBA Color Health); PubMed 31209999 (cited by Ambry Genetics); PubMed 31477031 (cited by Ambry Genetics and Quest Diagnostics Nichols Institute San Juan Capistrano); PubMed 32850417 (cited by Ambry Genetics); PubMed 9150154 (cited by 4 submitters); PubMed 20104584 (cited by Labcorp Genetics (formerly Invitae), Labcorp); PubMed 30720863 (cited by Labcorp Genetics (formerly Invitae), Labcorp and Color Diagnostics, LLC DBA Color Health); PubMed 11504767 (cited by Color Diagnostics, LLC DBA Color Health and Quest Diagnostics Nichols Institute San Juan Capistrano); PubMed 31300551 (cited by Color Diagnostics, LLC DBA Color Health); PubMed 34403063 (cited by Color Diagnostics, LLC DBA Color Health); PubMed 36605468 (cited by Color Diagnostics, LLC DBA Color Health); PubMed 11710835 (cited by Quest Diagnostics Nichols Institute San Juan Capistrano).